The following is an entry in ClinVar:

NM_138691.3(TMC1):c.362+18A>G

Gene: TMC1 (transmembrane channel like 1; plus strand). Cytogenetic location: 9q21.13.
Variant type: single nucleotide variant.
Coding change: c.362+18A>G on transcript NM_138691.3 (MANE Select); 18 bases into the intron after coding-DNA position 362, A replaced by G.
Molecular consequence: intron variant.
Genome position (GRCh38, 1-based): chr9:72,700,661, A>G. VCF-style: chr9-72700661-A-G. GRCh37 (hg19) VCF-style: chr9-75315577-A-G.
Identifiers: ClinVar variation 5016478 (VCV005016478.1).

ClinVar aggregate classification (germline): Likely pathogenic (1 of 4 stars; one submission).

Conditions:
Autosomal recessive nonsyndromic hearing loss 7. Also called: DEAFNESS, AUTOSOMAL RECESSIVE 11. Identifiers: Orphanet 90636, MedGen C1832978, MONDO:0010967, OMIM 600974.

gnomAD v4.1: 10 of 1,562,730 alleles (0.00064%); highest among the groups gnomAD compares: Non-Finnish European, 0.00087%; no homozygotes.

Submission:

Institute of Rare Diseases, West China Hospital, Sichuan University
Classification: Likely pathogenic for Autosomal recessive nonsyndromic hearing loss 7. Last evaluated: 2026-09-16. Review status: criteria provided, single submitter. Criteria: ClinGen HL ACMG Specifications v1. Collection method: research. Allele origin: germline. Affected: yes.
Comment: This deep intronic variant results in intron12 retention validated by minigene assay (PS3). It is extremely rare in general‑population databases (PM2_Supporting). In‑silico prediction supports splice‑disrupting effect (PP3_Moderate). ACMG classification: Likely pathogenic(PS3,PM2_Supporting,PM3,PP3_Moderate,PP1).